The following is an entry in ClinVar:

ClinVar aggregate classification (germline): Uncertain significance (1 of 4 stars; one submission).

Conditions:
Inborn genetic diseases. Identifiers: MedGen C0950123, MeSH D030342.

Allele frequency attached by ClinVar (database versions not stated): gnomAD 0.00001.
gnomAD v4.1: 1 of 1,614,064 alleles (0.000062%); no homozygotes.

Submission:

Ambry Genetics
Classification: Uncertain significance for Inborn genetic diseases. Last evaluated: 2022-01-15. Review status: criteria provided, single submitter. Criteria: Ambry Variant Classification Scheme 2023. Collection method: clinical testing. Allele origin: germline.
Comment: The p.R2235G variant (also known as c.6703A>G), located in coding exon 45 of the LRRK2 gene, results from an A to G substitution at nucleotide position 6703. The arginine at codon 2235 is replaced by glycine, an amino acid with dissimilar properties. This amino acid position is conserved. In addition, this alteration is predicted to be tolerated by in silico analysis. Since supporting evidence is limited at this time, the clinical significance of this alteration remains unclear.

NM_198578.4(LRRK2):c.6703A>G (p.Arg2235Gly)

Gene: LRRK2 (leucine rich repeat kinase 2; plus strand). Cytogenetic location: 12q12.
Variant type: single nucleotide variant.
Coding change: c.6703A>G on transcript NM_198578.4 (MANE Select); coding-DNA position 6703, A replaced by G.
Protein change: p.Arg2235Gly; replaces arginine 2235 with glycine.
Molecular consequence: missense variant.
Genome position (GRCh38, 1-based): chr12:40,354,425, A>G. VCF-style: chr12-40354425-A-G. GRCh37 (hg19) VCF-style: chr12-40748227-A-G.
Other names: short protein forms R2235G.
Identifiers: ClinVar variation 1755015 (VCV001755015.2), dbSNP rs1340389133, ClinGen allele CA384409377.